The following is an entry in ClinVar:

NM_015512.5(DNAH1):c.8747C>T (p.Ala2916Val)

Gene: DNAH1 (dynein axonemal heavy chain 1; plus strand). Cytogenetic location: 3p21.1.
Variant type: single nucleotide variant.
Coding change: c.8747C>T on transcript NM_015512.5 (MANE Select); coding-DNA position 8747, C replaced by T.
Protein change: p.Ala2916Val; replaces alanine 2916 with valine.
Molecular consequence: missense variant.
Genome position (GRCh38, 1-based): chr3:52,386,281, C>T. VCF-style: chr3-52386281-C-T. GRCh37 (hg19) VCF-style: chr3-52420297-C-T.
Other names: short protein forms A2916V.
Identifiers: ClinVar variation 2636635 (VCV002636635.1), dbSNP rs751554068, ClinGen allele CA2435308.

ClinVar aggregate classification (germline): Uncertain significance (1 of 4 stars; one submission).

Conditions:
DNAH1-related disorder. Also called: DNAH1-related condition.

Allele frequency attached by ClinVar (database versions not stated): ExAC 0.00001; TOPMed 0.00002; gnomAD 0.00003; gnomAD exomes 0.00003.
gnomAD v4.1: 42 of 1,608,590 alleles (0.0026%); highest among the groups gnomAD compares: African/African-American, 0.004%; no homozygotes.

Submission:

PreventionGenetics, part of Exact Sciences
Classification: Uncertain significance for DNAH1-related condition. Last evaluated: 2023-03-11. Review status: criteria provided, single submitter. Criteria: ACMG Guidelines, 2015. Collection method: clinical testing. Allele origin: germline.
Comment: The DNAH1 c.8747C>T variant is predicted to result in the amino acid substitution p.Ala2916Val. To our knowledge, this variant has not been reported in the literature. This variant is reported in 0.0034% of alleles in individuals of South Asian descent in gnomAD. At this time, the clinical significance of this variant is uncertain due to the absence of conclusive functional and genetic evidence.